The following is an entry in ClinVar:

NM_001160372.4(TRAPPC9):c.1196G>A (p.Gly399Asp)

Gene: TRAPPC9 (trafficking protein particle complex subunit 9; minus strand). Cytogenetic location: 8q24.3.
Variant type: single nucleotide variant.
Coding change: c.1196G>A on transcript NM_001160372.4 (MANE Select); coding-DNA position 1196, G replaced by A.
Protein change: p.Gly399Asp; replaces glycine 399 with aspartic acid.
Molecular consequence: missense variant. On other transcripts: non-coding transcript variant (1).
Genome position (GRCh38, 1-based): chr8:140,371,119, C>T on the plus strand (G>A on the coding strand, the complement: TRAPPC9 is on the minus strand). VCF-style: chr8-140371119-C-T. GRCh37 (hg19) VCF-style: chr8-141381218-C-T.
Other names: c.1169G>A, p.Gly390Asp (NM_001321646.2); c.1217G>A, p.Gly406Asp (NM_001374682.1); c.1196G>A, p.Gly399Asp (NM_001374683.1, NM_001374684.1, NM_031466.8); short protein forms G399D, G390D, G406D.
Identifiers: ClinVar variation 589327 (VCV000589327.12), dbSNP rs376272150, ClinGen allele CA4893517.

ClinVar aggregate classification (germline): Uncertain significance. Review status: criteria provided, multiple submitters, no conflicts (2 of 4 stars). 3 submissions from 3 submitters: Uncertain significance (3). Last evaluated 2026-07-19.

Conditions:
Inborn genetic diseases. Identifiers: MedGen C0950123, MeSH D030342.

Allele frequency attached by ClinVar (database versions not stated): ExAC 0.00003; gnomAD 0.00006 and 0.00007; gnomAD exomes 0.00006 and 0.00014; TOPMed 0.00008; ESP Exome Variant Server 0.00023.
gnomAD v4.1: 225 of 1,613,996 alleles (0.014%); highest among the groups gnomAD compares: Non-Finnish European, 0.017%; no homozygotes.

Submissions (3):

GeneDx
Classification: Uncertain significance. Last evaluated: 2026-07-19. Review status: criteria provided, single submitter. Criteria: GeneDx Variant Classification Process June 2021. Collection method: clinical testing. Allele origin: germline.
Comment: Not observed at significant frequency in large population cohorts (gnomAD); In silico analysis supports that this missense variant has a deleterious effect on protein structure/function; Has not been previously published as pathogenic or benign to our knowledge

Ambry Genetics
Classification: Uncertain significance for Inborn genetic diseases. Last evaluated: 2025-08-29. Review status: criteria provided, single submitter. Criteria: Ambry Variant Classification Scheme 2023. Collection method: clinical testing. Allele origin: germline.

Labcorp Genetics (formerly Invitae), Labcorp
Classification: Uncertain significance. Last evaluated: 2021-08-30. Review status: criteria provided, single submitter. Criteria: Invitae Variant Classification Sherloc (09022015). Collection method: clinical testing. Allele origin: germline.